The following is an entry in ClinVar:

NM_015214.3(DDHD2):c.2054+1G>A

Gene: DDHD2 (DDHD domain containing 2; plus strand). Cytogenetic location: 8p11.23.
Variant type: single nucleotide variant.
Coding change: c.2054+1G>A on transcript NM_015214.3 (MANE Select); the canonical splice donor site of the intron after coding-DNA position 2054, G replaced by A.
Molecular consequence: splice donor variant.
Genome position (GRCh38, 1-based): chr8:38,253,719, G>A. VCF-style: chr8-38253719-G-A. GRCh37 (hg19) VCF-style: chr8-38111237-G-A.
Other names: c.2054+1G>A (NM_001362914.2, NM_001362912.2, NM_001362911.2 and 1 more transcripts); c.1964+1G>A (NM_001362913.2).
Identifiers: ClinVar variation 5007305 (VCV005007305.2).

ClinVar aggregate classification (germline): Uncertain significance (1 of 4 stars; one submission).

Conditions:
Hereditary spastic paraplegia 54. Also called: Spastic paraplegia 54, autosomal recessive. Identifiers: Orphanet 320380, MedGen C3539495, MONDO:0014018, OMIM 615033.

Submission:

Juno Genomics, Hangzhou Juno Genomics, Inc
Classification: Uncertain significance for Hereditary spastic paraplegia 54. Review status: criteria provided, single submitter. Criteria: ACMG Guidelines, 2015. Collection method: clinical testing. Allele origin: germline.
Comment: Null variant in a gene where loss of function (LOF) is a known mechanism of disease.;Absent from controls (or at extremely low frequency if recessive) in Genome Aggregation Database.